The following is an entry in ClinVar:

NM_006929.5(SKIC2):c.545-1G>A

Gene: SKIC2 (SKI2 subunit of superkiller complex; plus strand). Cytogenetic location: 6p21.33.
Variant type: single nucleotide variant.
Coding change: c.545-1G>A on transcript NM_006929.5 (MANE Select); the canonical splice acceptor site of the intron before coding-DNA position 545, G replaced by A.
Molecular consequence: splice acceptor variant.
Genome position (GRCh38, 1-based): chr6:31,961,040, G>A. VCF-style: chr6-31961040-G-A. GRCh37 (hg19) VCF-style: chr6-31928817-G-A.
Identifiers: ClinVar variation 2802416 (VCV002802416.3), dbSNP rs779788036, ClinGen allele CA363441307.

ClinVar aggregate classification (germline): Likely pathogenic (1 of 4 stars; one submission).

gnomAD v4.1: 1 of 1,609,702 alleles (0.000062%); highest among the groups gnomAD compares: Non-Finnish European, 0.000085%; no homozygotes.

Submission:

Labcorp Genetics (formerly Invitae), Labcorp
Classification: Likely pathogenic. Last evaluated: 2023-03-13. Review status: criteria provided, single submitter. Criteria: Invitae Variant Classification Sherloc (09022015). Collection method: clinical testing. Allele origin: germline.
Comment: Algorithms developed to predict the effect of sequence changes on RNA splicing suggest that this variant may disrupt the consensus splice site. This variant is not present in population databases (gnomAD no frequency). This variant has not been reported in the literature in individuals affected with SKIV2L-related conditions. In summary, the currently available evidence indicates that the variant is pathogenic, but additional data are needed to prove that conclusively. Therefore, this variant has been classified as Likely Pathogenic. This sequence change affects an acceptor splice site in intron 6 of the SKIV2L gene. It is expected to disrupt RNA splicing. Variants that disrupt the donor or acceptor splice site typically lead to a loss of protein function (PMID: 16199547), and loss-of-function variants in SKIV2L are known to be pathogenic (PMID: 22444670).

Literature cited by the submitters: PubMed 16199547; PubMed 22444670.